The following is an entry in ClinVar:

ClinVar aggregate classification (germline): Likely benign (1 of 4 stars; one submission).

Conditions:
Colorectal cancer, susceptibility to, 12 (CRCS12). Also called: COLORECTAL CANCER, SUSCEPTIBILITY TO, ON CHROMOSOME 12q24. Identifiers: Orphanet 220460, MedGen C3554460, MONDO:0014038, OMIM 615083.

Submission:

Myriad Genetics, Inc.
Classification: Likely benign for Colorectal cancer, susceptibility to, 12. Last evaluated: 2025-02-07. Review status: criteria provided, single submitter. Criteria: Myriad Autosomal Dominant, Autosomal Recessive and X-Linked Classification Criteria (2023). Collection method: clinical testing. Allele origin: unknown.
Comment: This variant is considered likely benign. This variant is intronic and is not expected to impact mRNA splicing.

NM_006231.4(POLE):c.1020+9G>C

Gene: POLE (DNA polymerase epsilon, catalytic subunit; minus strand). Cytogenetic location: 12q24.33.
Variant type: single nucleotide variant.
Coding change: c.1020+9G>C on transcript NM_006231.4 (MANE Select); 9 bases into the intron after coding-DNA position 1020, G replaced by C.
Molecular consequence: intron variant.
Genome position (GRCh38, 1-based): chr12:132,676,085, C>G on the plus strand (G>C on the coding strand, the complement: POLE is on the minus strand). VCF-style: chr12-132676085-C-G. GRCh37 (hg19) VCF-style: chr12-133252671-C-G.
Identifiers: ClinVar variation 3904321 (VCV003904321.1).